The following is an entry in ClinVar:

NM_015662.3(IFT172):c.1544A>G (p.Glu515Gly)

Gene: IFT172 (intraflagellar transport 172; minus strand). Cytogenetic location: 2p23.3.
Variant type: single nucleotide variant.
Coding change: c.1544A>G on transcript NM_015662.3 (MANE Select); coding-DNA position 1544, A replaced by G.
Protein change: p.Glu515Gly; replaces glutamic acid 515 with glycine.
Molecular consequence: missense variant.
Genome position (GRCh38, 1-based): chr2:27,471,076, T>C on the plus strand (A>G on the coding strand, the complement: IFT172 is on the minus strand). VCF-style: chr2-27471076-T-C. GRCh37 (hg19) VCF-style: chr2-27693943-T-C.
Other names: short protein forms E515G.
Identifiers: ClinVar variation 2052825 (VCV002052825.5), dbSNP rs2465944659, ClinGen allele CA346390606.

ClinVar aggregate classification (germline): Uncertain significance. Review status: criteria provided, multiple submitters, no conflicts (2 of 4 stars). 2 submissions from 2 submitters: Uncertain significance (2). Last evaluated 2022-06-14.

Conditions:
Short-rib thoracic dysplasia 10 with or without polydactyly (SRTD10). Identifiers: Orphanet 474, MedGen C3810175, MONDO:0014284, OMIM 615630.
Retinitis pigmentosa 71 (RP71). Identifiers: Orphanet 791, MedGen C4225342, MONDO:0014618, OMIM 616394.

Allele frequency attached by ClinVar (database versions not stated): gnomAD exomes below 0.00001.
gnomAD v4.1: 1 of 1,610,580 alleles (0.000062%); highest among the groups gnomAD compares: Non-Finnish European, 0.000085%; no homozygotes.

Submissions (2):

Blueprint Genetics
Classification: Uncertain significance. Last evaluated: 2022-06-14. Review status: criteria provided, single submitter. Criteria: ACMG Guidelines, 2015. Collection method: clinical testing. Allele origin: germline.

Labcorp Genetics (formerly Invitae), Labcorp
Classification: Uncertain significance for Retinitis pigmentosa 71; Short-rib thoracic dysplasia 10 with or without polydactyly. Last evaluated: 2022-03-18. Review status: criteria provided, single submitter. Criteria: Invitae Variant Classification Sherloc (09022015). Collection method: clinical testing. Allele origin: germline.
Comment: This sequence change replaces glutamic acid, which is acidic and polar, with glycine, which is neutral and non-polar, at codon 515 of the IFT172 protein (p.Glu515Gly). This variant is not present in population databases (gnomAD no frequency). This variant has not been reported in the literature in individuals affected with IFT172-related conditions. Algorithms developed to predict the effect of missense changes on protein structure and function (SIFT, PolyPhen-2, Align-GVGD) all suggest that this variant is likely to be tolerated. In summary, the available evidence is currently insufficient to determine the role of this variant in disease. Therefore, it has been classified as a Variant of Uncertain Significance.